The following is an entry in ClinVar:

NM_203447.4(DOCK8):c.742-1G>A

Gene: DOCK8 (dedicator of cytokinesis 8; plus strand). Cytogenetic location: 9p24.3.
Variant type: single nucleotide variant.
Coding change: c.742-1G>A on transcript NM_203447.4 (MANE Select); the canonical splice acceptor site of the intron before coding-DNA position 742, G replaced by A.
Molecular consequence: splice acceptor variant.
Genome position (GRCh38, 1-based): chr9:317,042, G>A. VCF-style: chr9-317042-G-A. GRCh37 (hg19) VCF-style: chr9-317042-G-A.
Other names: c.538-1G>A (NM_001193536.2, NM_001190458.2).
Identifiers: ClinVar variation 3683597 (VCV003683597.2).

ClinVar aggregate classification (germline): Likely pathogenic (1 of 4 stars; one submission).

Conditions:
Combined immunodeficiency due to DOCK8 deficiency (HIES2). Also called: Hyper-IgE recurrent infection syndrome, autosomal recessive; HIES autosomal recessive; HYPER-IgE RECURRENT INFECTION SYNDROME 2, AUTOSOMAL RECESSIVE; HYPER-IgE SYNDROME 2, AUTOSOMAL RECESSIVE, WITH RECURRENT INFECTIONS; DOCK8 Deficiency. Identifiers: Orphanet 217390, MedGen C4722305, MONDO:0009478, OMIM 243700.

Submission:

Labcorp Genetics (formerly Invitae), Labcorp
Classification: Likely pathogenic for Combined immunodeficiency due to DOCK8 deficiency. Last evaluated: 2024-04-29. Review status: criteria provided, single submitter. Criteria: Invitae Variant Classification Sherloc (09022015). Collection method: clinical testing. Allele origin: germline.
Comment: This sequence change affects an acceptor splice site in intron 6 of the DOCK8 gene. It is expected to disrupt RNA splicing. Variants that disrupt the donor or acceptor splice site typically lead to a loss of protein function (PMID: 16199547), and loss-of-function variants in DOCK8 are known to be pathogenic (PMID: 14722525, 19776401). This variant is not present in population databases (gnomAD no frequency). This variant has not been reported in the literature in individuals affected with DOCK8-related conditions. Algorithms developed to predict the effect of sequence changes on RNA splicing suggest that this variant may disrupt the consensus splice site. In summary, the currently available evidence indicates that the variant is pathogenic, but additional data are needed to prove that conclusively. Therefore, this variant has been classified as Likely Pathogenic.

Literature cited by the submitters: PubMed 16199547; PubMed 14722525; PubMed 19776401.